The following is an entry in ClinVar:

ClinVar aggregate classification (germline): Uncertain significance (1 of 4 stars; one submission).

Conditions:
Hereditary cancer-predisposing syndrome. Also called: Tumor predisposition; Hereditary Cancer Syndrome; Neoplastic Syndromes, Hereditary; Hereditary neoplastic syndrome. Identifiers: Orphanet 140162, MedGen C0027672, MeSH D009386, MONDO:0015356.

Submission:

Ambry Genetics
Classification: Uncertain significance for Hereditary cancer-predisposing syndrome. Last evaluated: 2025-04-19. Review status: criteria provided, single submitter. Criteria: Ambry Variant Classification Scheme 2023. Collection method: clinical testing. Allele origin: germline.
Comment: The p.S878P variant (also known as c.2632T>C), located in coding exon 16 of the RAD50 gene, results from a T to C substitution at nucleotide position 2632. The serine at codon 878 is replaced by proline, an amino acid with similar properties. This amino acid position is conserved. In addition, this alteration is predicted to be tolerated by in silico analysis. Since supporting evidence is limited at this time, the clinical significance of this alteration remains unclear.

NM_005732.4(RAD50):c.2632T>C (p.Ser878Pro)

Gene: RAD50 (RAD50 double strand break repair protein; plus strand). Cytogenetic location: 5q31.1.
Variant type: single nucleotide variant.
Coding change: c.2632T>C on transcript NM_005732.4 (MANE Select); coding-DNA position 2632, T replaced by C.
Protein change: p.Ser878Pro; replaces serine 878 with proline.
Molecular consequence: missense variant.
Genome position (GRCh38, 1-based): chr5:132,604,913, T>C. VCF-style: chr5-132604913-T-C. GRCh37 (hg19) VCF-style: chr5-131940605-T-C.
Other names: short protein forms S878P.
Identifiers: ClinVar variation 1794078 (VCV001794078.3), dbSNP rs2149847791, ClinGen allele CA360956654.